The following is an entry in ClinVar:

ClinVar aggregate classification (germline): Pathogenic (1 of 4 stars; one submission).

Conditions:
Gorlin syndrome. Also called: Basal cell nevus syndrome; Nevoid Basal Cell Carcinoma Syndrome. Identifiers: Orphanet 377, MedGen C0004779, MONDO:0007187.

Submission:

Labcorp Genetics (formerly Invitae), Labcorp
Classification: Pathogenic for Gorlin syndrome. Last evaluated: 2018-11-20. Review status: criteria provided, single submitter. Criteria: Invitae Variant Classification Sherloc (09022015). Collection method: clinical testing. Allele origin: germline.
Comment: For these reasons, this variant has been classified as Pathogenic. Loss-of-function variants in PTCH1 are known to be pathogenic (PMID: 16301862, 16419085). This variant has not been reported in the literature in individuals with PTCH1-related disease. This variant is not present in population databases (ExAC no frequency). This sequence change creates a premature translational stop signal (p.Val322Phefs*2) in the PTCH1 gene. It is expected to result in an absent or disrupted protein product.

Literature cited by the submitters: PubMed 16301862; PubMed 16419085.

NM_000264.5(PTCH1):c.961del (p.Val322fs)

Gene: PTCH1 (patched 1; minus strand). Cytogenetic location: 9q22.32.
Variant type: Deletion.
Coding change: c.961del on transcript NM_000264.5 (MANE Select); coding-DNA position 961, one base deleted (C; older notation c.961delC).
Protein change: p.Val322fs; shifts the reading frame from valine 322.
Molecular consequence: frameshift variant. On other transcripts: non-coding transcript variant (1).
Genome position (GRCh38, 1-based): chr9:95,480,075, G deleted on the plus strand (C on the coding strand, the reverse complement: PTCH1 is on the minus strand); the first of 3 consecutive G bases (chr9:95,480,075-95,480,077); deleting any one gives the same sequence. VCF-style (leftmost placement, unchanged base first): chr9-95480074-AG-A. GRCh37 (hg19) VCF-style: chr9-98242356-AG-A.
Other names: c.763del, p.Val256fs (NM_001083602.3); c.958del, p.Val321fs (NM_001083603.3); c.508del, p.Val171fs (NM_001083604.3, NM_001083605.3, NM_001083606.3 and 1 more transcripts); c.961del, p.Val322fs (NM_001354918.2); c.961delC (NM_000264.3); short protein forms V256fs, V321fs, V322fs, V171fs.
Identifiers: ClinVar variation 648714 (VCV000648714.7), dbSNP rs1588608794, ClinGen allele CA915947074.